The following is an entry in ClinVar:

NM_003060.4(SLC22A5):c.20_21insCCGGT (p.Thr8fs)

Gene: SLC22A5 (solute carrier family 22 member 5; plus strand). Cytogenetic location: 5q31.1.
Variant type: Insertion.
Coding change: c.20_21insCCGGT on transcript NM_003060.4 (MANE Select); coding-DNA positions 20 to 21, CCGGT inserted.
Protein change: p.Thr8fs; shifts the reading frame from threonine 8.
Molecular consequence: frameshift variant.
Genome position: GRCh38 VCF-style: chr5-132369989-A-AGGTCC. GRCh37 (hg19) VCF-style: chr5-131705681-A-AGGTCC.
Other names: c.20_21insCCGGT, p.Thr8fs (NM_001308122.2); short protein forms T8fs.
Identifiers: ClinVar variation 2810987 (VCV002810987.3), dbSNP rs2532087760, ClinGen allele CA2578401854.

ClinVar aggregate classification (germline): Pathogenic (1 of 4 stars; one submission).

Conditions:
Renal carnitine transport defect (CDSP). Also called: Carnitine transporter deficiency; Carnitine Deficiency, Systemic; Systemic primary carnitine deficiency disease; CARNITINE DEFICIENCY, SYSTEMIC, DUE TO DEFECT IN RENAL REABSORPTION OF CARNITINE; CARNITINE TRANSPORTER, PLASMA-MEMBRANE, DEFICIENCY OF; CARNITINE UPTAKE DEFECT. Identifiers: Orphanet 158, MedGen C0342788, MONDO:0008919, OMIM 212140.

Submission:

Labcorp Genetics (formerly Invitae), Labcorp
Classification: Pathogenic for Renal carnitine transport defect. Last evaluated: 2022-10-31. Review status: criteria provided, single submitter. Criteria: Invitae Variant Classification Sherloc (09022015). Collection method: clinical testing. Allele origin: germline.
Comment: For these reasons, this variant has been classified as Pathogenic. This variant has not been reported in the literature in individuals affected with SLC22A5-related conditions. This variant is not present in population databases (gnomAD no frequency). This sequence change creates a premature translational stop signal (p.Thr8Argfs*2) in the SLC22A5 gene. It is expected to result in an absent or disrupted protein product. Loss-of-function variants in SLC22A5 are known to be pathogenic (PMID: 9916797).

Literature cited by the submitters: PubMed 9916797.